The following is an entry in ClinVar:

NM_004364.5(CEBPA):c.526G>T (p.Ala176Ser)

Gene: CEBPA (CCAAT enhancer binding protein alpha; minus strand). Cytogenetic location: 19q13.11.
Variant type: single nucleotide variant.
Coding change: c.526G>T on transcript NM_004364.5 (MANE Select); coding-DNA position 526, G replaced by T.
Protein change: p.Ala176Ser; replaces alanine 176 with serine.
Molecular consequence: missense variant.
Genome position (GRCh38, 1-based): chr19:33,301,889, C>A on the plus strand (G>T on the coding strand, the complement: CEBPA is on the minus strand). VCF-style: chr19-33301889-C-A. GRCh37 (hg19) VCF-style: chr19-33792795-C-A.
Other names: c.169G>T, p.Ala57Ser (NM_001285829.2); c.631G>T, p.Ala211Ser (NM_001287424.2); c.484G>T, p.Ala162Ser (NM_001287435.2); short protein forms A176S, A57S, A162S, A211S.
Identifiers: ClinVar variation 4611456 (VCV004611456.1).
Genomic context (GRCh38, chr19:33,301,889, plus strand): 5'-GGTGCGGGTGCGGGTGCGAGGGCGGCGGCGGCGGCGGCGGCTGGTAAGGGAAGAGGCCGG[C>A]CAGCGCCAGCTGCTTGGCTTCATCCTCCTCGCGGGGCTCCTGCTTGATCACCAGCGGCCG-3'
Protein context (NP_004355.2, residues 166-186): EEDEAKQLAL[Ala176Ser]GLFPYQPPPP

ClinVar aggregate classification (germline): Uncertain significance (1 of 4 stars; one submission).

Conditions:
Inborn genetic diseases. Identifiers: MedGen C0950123, MeSH D030342.

Submission:

Ambry Genetics
Classification: Uncertain significance for Inborn genetic diseases. Last evaluated: 2025-11-24. Review status: criteria provided, single submitter. Criteria: Ambry Variant Classification Scheme 2023. Collection method: clinical testing. Allele origin: germline.
Comment: The p.A176S variant (also known as c.526G>T), located in coding exon 1 of the CEBPA gene, results from a G to T substitution at nucleotide position 526. The alanine at codon 176 is replaced by serine, an amino acid with similar properties. This amino acid position is conserved. In addition, this alteration is predicted to be tolerated by in silico analysis. Based on the available evidence, the clinical significance of this variant remains unclear.